The following is an entry in ClinVar:

NM_001267550.2(TTN):c.106541del (p.Asp35514fs)

Genes: TTN (titin; minus strand), TTN-AS1 (TTN antisense RNA 1; plus strand). Cytogenetic location: 2q31.2.
Variant type: Deletion.
Coding change: c.106541del on transcript NM_001267550.2 (MANE Select); coding-DNA position 106541, one base deleted (A; older notation c.106541delA).
Protein change: p.Asp35514fs; shifts the reading frame from aspartic acid 35514.
Molecular consequence: frameshift variant.
Genome position (GRCh38, 1-based): chr2:178,529,210, T deleted on the plus strand (A on the coding strand, the reverse complement: TTN is on the minus strand). VCF-style (leftmost placement, unchanged base first): chr2-178529209-AT-A. GRCh37 (hg19) VCF-style: chr2-179393936-AT-A.
Other names: c.79721del, p.Asp26574fs (NM_133432.3); c.79922del, p.Asp26641fs (NM_133437.4); c.106541delA (NM_001267550.2); c.101618del, p.Asp33873fs (NM_001256850.1); c.79346del, p.Asp26449fs (NM_003319.4); c.98837del, p.Asp32946fs (NM_133378.4); short protein forms D26449fs, D26574fs, D26641fs, D32946fs, D33873fs, D35514fs.
Identifiers: ClinVar variation 1064523 (VCV001064523.2), dbSNP rs2154131647, ClinGen allele CA2499215271.
Genomic context (GRCh38, chr2:178,529,209, plus strand): 5'-AGCTTTCTTCTGAGGTGTAATTTCAGAAGTCTTTTGTGTAGAGACTTTCTGTGCCTCAGT[AT>A]CTTTTATAGCTAAAAAAGAAACCTCTGTAAGGCAAACTTAATTAGAAAGAGACCCCCACC-3'

ClinVar aggregate classification (germline): Pathogenic (0 of 4 stars; one submission).

Conditions:
Early-onset myopathy with fatal cardiomyopathy (CMYO5). Also called: Salih Myopathy; CONGENITAL MYOPATHY 5 WITH CARDIOMYOPATHY. Identifiers: Orphanet 289377, MedGen C2673677, MONDO:0012714, OMIM 611705. Disease mechanism: loss of function.

Submission:

Department of Medical Genetics, National Institute of Health
Classification: Pathogenic for Early-onset myopathy with fatal cardiomyopathy. Last evaluated: 2021-02-22. Review status: no assertion criteria provided. Collection method: clinical testing. Allele origin: germline. Inheritance: Autosomal recessive inheritance. Affected: yes. Observed: 1 variant allele, 1 homozygote.
Comment: It has never been reported in public human databases (accessed, Apr 2021) and it was also not found in an in-house database of 92 Moroccan patients who benefited from clinical exome sequencing (personal data). This variant is responsible for causing a congenital myopathy with delays in psychomotor acquisitions associated with dilated cardiomyopathy.